The following is an entry in ClinVar:

NM_031935.3(HMCN1):c.5888G>T (p.Gly1963Val)

Gene: HMCN1 (hemicentin 1; plus strand). Cytogenetic location: 1q31.1.
Variant type: single nucleotide variant.
Coding change: c.5888G>T on transcript NM_031935.3 (MANE Select); coding-DNA position 5888, G replaced by T.
Protein change: p.Gly1963Val; replaces glycine 1963 with valine.
Molecular consequence: missense variant.
Genome position (GRCh38, 1-based): chr1:186,038,865, G>T. VCF-style: chr1-186038865-G-T. GRCh37 (hg19) VCF-style: chr1-186007997-G-T.
Other names: short protein forms G1963V.
Identifiers: ClinVar variation 294166 (VCV000294166.15), dbSNP rs144649977, ClinGen allele CA1292413.

ClinVar aggregate classification (germline): Benign. Review status: criteria provided, multiple submitters, no conflicts (2 of 4 stars). 3 submissions from 3 submitters: Benign (3). Last evaluated 2026-02-01.

Conditions:
Age related macular degeneration 1 (ARMD1). Also called: MACULOPATHY, AGE-RELATED, 1. Identifiers: MedGen C1864205, MONDO:0011285, OMIM 603075.

Allele frequency attached by ClinVar (database versions not stated): gnomAD 0.00057 and 0.00198; TOPMed 0.00091; gnomAD exomes 0.00264 and 0.00622; ExAC 0.00669; 1000 Genomes Project 0.01018; 1000 Genomes Project 30x 0.01062.
gnomAD v4.1: 4,211 of 1,604,792 alleles (0.26%); highest among the groups gnomAD compares: South Asian, 3.6%; 112 homozygotes.

Submissions (3):

Labcorp Genetics (formerly Invitae), Labcorp
Classification: Benign. Last evaluated: 2026-02-01. Review status: criteria provided, single submitter. Criteria: Invitae Variant Classification Sherloc (09022015). Collection method: clinical testing. Allele origin: germline.

Genome-Nilou Lab
Classification: Benign for Age related macular degeneration 1. Last evaluated: 2023-04-11. Review status: criteria provided, single submitter. Criteria: ACMG Guidelines, 2015. Collection method: clinical testing. Allele origin: germline. Affected: no.

Illumina Laboratory Services, Illumina
Classification: Benign for Age related macular degeneration 1. Last evaluated: 2018-01-13. Review status: criteria provided, single submitter. Criteria: ICSL Variant Classification Criteria 13 December 2019. Collection method: clinical testing. Allele origin: germline.
Comment: This variant was observed in the ICSL laboratory as part of a predisposition screen in an ostensibly healthy population. It had not been previously curated by ICSL or reported in the Human Gene Mutation Database (HGMD: prior to June 1st, 2018), and was therefore a candidate for classification through an automated scoring system. Utilizing variant allele frequency, disease prevalence and penetrance estimates, and inheritance mode, an automated score was calculated to assess if this variant is too frequent to cause the disease. Based on the score and internal cut-off values, a variant classified as benign is not then subjected to further curation. The score for this variant resulted in a classification of benign for this disease.